The following is an entry in ClinVar:

NM_001369.3(DNAH5):c.8864del (p.Val2955fs)

Gene: DNAH5 (dynein axonemal heavy chain 5; minus strand). Cytogenetic location: 5p15.2.
Variant type: Deletion.
Coding change: c.8864del on transcript NM_001369.3 (MANE Select); coding-DNA position 8864, one base deleted (T; older notation c.8864delT).
Protein change: p.Val2955fs; shifts the reading frame from valine 2955.
Molecular consequence: frameshift variant.
Genome position (GRCh38, 1-based): chr5:13,780,916, A deleted on the plus strand (T on the coding strand, the reverse complement: DNAH5 is on the minus strand). VCF-style (leftmost placement, unchanged base first): chr5-13780915-GA-G. GRCh37 (hg19) VCF-style: chr5-13781024-GA-G.
Other names: c.8864delT (NM_001369.2); short protein forms V2955fs.
Identifiers: ClinVar variation 565985 (VCV000565985.7), dbSNP rs1561241156, ClinGen allele CA891843375.

ClinVar aggregate classification (germline): Pathogenic (1 of 4 stars; one submission).

Conditions:
Primary ciliary dyskinesia. Also called: Ciliary dyskinesia. Identifiers: Orphanet 244, MedGen C0008780, MONDO:0016575, HP:0012265.

Submission:

Labcorp Genetics (formerly Invitae), Labcorp
Classification: Pathogenic for Primary ciliary dyskinesia. Last evaluated: 2018-03-07. Review status: criteria provided, single submitter. Criteria: Invitae Variant Classification Sherloc (09022015). Collection method: clinical testing. Allele origin: germline.
Comment: This variant is not present in population databases (ExAC no frequency). This sequence change creates a premature translational stop signal (p.Val2955Alafs*11) in the DNAH5 gene. It is expected to result in an absent or disrupted protein product. This variant has not been reported in the literature in individuals with DNAH5-related disease. Loss-of-function variants in DNAH5 are known to be pathogenic (PMID: 11788826, 16627867). For these reasons, this variant has been classified as Pathogenic.

Literature cited by the submitters: PubMed 11788826; PubMed 16627867.